The following is an entry in ClinVar:

NM_005477.3(HCN4):c.1414G>A (p.Ala472Thr)

Gene: HCN4 (hyperpolarization activated cyclic nucleotide gated potassium channel 4; minus strand). Cytogenetic location: 15q24.1.
Variant type: single nucleotide variant.
Coding change: c.1414G>A on transcript NM_005477.3 (MANE Select); coding-DNA position 1414, G replaced by A.
Protein change: p.Ala472Thr; replaces alanine 472 with threonine.
Molecular consequence: missense variant.
Genome position (GRCh38, 1-based): chr15:73,329,749, C>T on the plus strand (G>A on the coding strand, the complement: HCN4 is on the minus strand). VCF-style: chr15-73329749-C-T. GRCh37 (hg19) VCF-style: chr15-73622090-C-T.
Other names: short protein forms A472T.
Identifiers: ClinVar variation 3006733 (VCV003006733.3), dbSNP rs2549071426, ClinGen allele CA393094046.

ClinVar aggregate classification (germline): Uncertain significance (1 of 4 stars; one submission).

Conditions:
Brugada syndrome 8 (BRGDA8). Identifiers: Orphanet 130, MedGen C2751083, MONDO:0013148, OMIM 613123.

Submission:

Labcorp Genetics (formerly Invitae), Labcorp
Classification: Uncertain significance for Brugada syndrome 8. Last evaluated: 2023-10-16. Review status: criteria provided, single submitter. Criteria: Invitae Variant Classification Sherloc (09022015). Collection method: clinical testing. Allele origin: germline.
Comment: This sequence change replaces alanine, which is neutral and non-polar, with threonine, which is neutral and polar, at codon 472 of the HCN4 protein (p.Ala472Thr). This variant is not present in population databases (gnomAD no frequency). This variant has not been reported in the literature in individuals affected with HCN4-related conditions. Advanced modeling of protein sequence and biophysical properties (such as structural, functional, and spatial information, amino acid conservation, physicochemical variation, residue mobility, and thermodynamic stability) performed at Invitae indicates that this missense variant is expected to disrupt HCN4 protein function. In summary, the available evidence is currently insufficient to determine the role of this variant in disease. Therefore, it has been classified as a Variant of Uncertain Significance.